The following is an entry in ClinVar:

ClinVar aggregate classification (germline): Uncertain significance. Review status: criteria provided, multiple submitters, no conflicts (2 of 4 stars). 2 submissions from 2 submitters: Uncertain significance (2). Last evaluated 2025-05-29.

Conditions:
PLEC-related disorder. Also called: PLEC-related condition; PLEC-related disorders.
Autosomal recessive limb-girdle muscular dystrophy type 2Q (LGMDR17). Also called: MUSCULAR DYSTROPHY, LIMB-GIRDLE, AUTOSOMAL RECESSIVE 17. Identifiers: Orphanet 254361, MedGen C3150989, MONDO:0013390, OMIM 613723.
Epidermolysis bullosa simplex, Ogna type (EBS5A). Also called: Pidermolysis bullosa simplex 5A, Ogna type; EPIDERMOLYSIS BULLOSA SIMPLEX 5A, OGNA TYPE. Identifiers: Orphanet 79401, MedGen C0432317, MONDO:0007555, OMIM 131950.
Epidermolysis bullosa simplex with nail dystrophy (EBS5D). Identifiers: MedGen C4225309, MONDO:0014661, OMIM 616487.
Epidermolysis bullosa simplex 5C, with pyloric atresia (EBS5C). Also called: PLEC-Related Epidermolysis Bullosa with Pyloric Atresia; Epidermolysis bullosa simplex with pyloric atresia; PLEC1-Related Epidermolysis Bullosa with Pyloric Atresia. Identifiers: Orphanet 158684, MedGen C2677349, MONDO:0012807, OMIM 612138.
Epidermolysis bullosa simplex 5B, with muscular dystrophy (EBS5B). Also called: EPIDERMOLYSIS BULLOSA SIMPLEX AND LIMB-GIRDLE MUSCULAR DYSTROPHY; Epidermolysis bullosa simplex with muscular dystrophy. Identifiers: Orphanet 257, MedGen C2931072, MONDO:0009181, OMIM 226670.

Allele frequency attached by ClinVar (database versions not stated): ExAC 0.00002; gnomAD exomes 0.00002; TOPMed 0.00005; gnomAD 0.00006 and 0.00007; ESP Exome Variant Server 0.00008.

Submissions (2):

PreventionGenetics, part of Exact Sciences
Classification: Uncertain significance for PLEC-related condition. Last evaluated: 2025-05-29. Review status: criteria provided, single submitter. Criteria: ACMG Guidelines, 2015. Collection method: clinical testing. Allele origin: germline.
Comment: The PLEC c.977C>T variant is predicted to result in the amino acid substitution p.Thr326Met. To our knowledge, this variant has not been reported in the literature. This variant is reported in 0.017% of alleles in individuals of African descent in gnomAD. At this time, the clinical significance of this variant is uncertain due to the absence of conclusive functional and genetic evidence.

Labcorp Genetics (formerly Invitae), Labcorp
Classification: Uncertain significance for Autosomal recessive limb-girdle muscular dystrophy type 2Q; Epidermolysis bullosa simplex, Ogna type; Epidermolysis bullosa simplex with nail dystrophy; Epidermolysis bullosa simplex 5C, with pyloric atresia; Epidermolysis bullosa simplex 5B, with muscular dystrophy. Last evaluated: 2024-05-23. Review status: criteria provided, single submitter. Criteria: Invitae Variant Classification Sherloc (09022015). Collection method: clinical testing. Allele origin: germline.
Comment: This sequence change replaces threonine, which is neutral and polar, with methionine, which is neutral and non-polar, at codon 326 of the PLEC protein (p.Thr326Met). This variant is present in population databases (rs369748826, gnomAD 0.02%). This variant has not been reported in the literature in individuals affected with PLEC-related conditions. ClinVar contains an entry for this variant (Variation ID: 847985). Experimental studies and prediction algorithms are not available or were not evaluated, and the functional significance of this variant is currently unknown. In summary, the available evidence is currently insufficient to determine the role of this variant in disease. Therefore, it has been classified as a Variant of Uncertain Significance.

NM_201384.3(PLEC):c.896C>T (p.Thr299Met)

Gene: PLEC (plectin; minus strand). Cytogenetic location: 8q24.3.
Variant type: single nucleotide variant.
Coding change: c.896C>T on transcript NM_201384.3 (MANE Select); coding-DNA position 896, C replaced by T.
Protein change: p.Thr299Met; replaces threonine 299 with methionine.
Molecular consequence: missense variant.
Genome position (GRCh38, 1-based): chr8:143,934,859, G>A on the plus strand (C>T on the coding strand, the complement: PLEC is on the minus strand). VCF-style: chr8-143934859-G-A. GRCh37 (hg19) VCF-style: chr8-145009027-G-A.
Other names: c.977C>T, p.Thr326Met (NM_000445.5); c.854C>T, p.Thr285Met (NM_201378.4); c.830C>T, p.Thr277Met (NM_201379.3); c.1307C>T, p.Thr436Met (NM_201380.4); c.800C>T, p.Thr267Met (NM_201381.3); c.896C>T, p.Thr299Met (NM_201382.4); c.908C>T, p.Thr303Met (NM_201383.3); short protein forms T277M, T285M, T303M, T299M, T267M, T326M, T436M.
Identifiers: ClinVar variation 847985 (VCV000847985.8), dbSNP rs369748826, ClinGen allele CA4928267.